The following is an entry in ClinVar:

ClinVar aggregate classification (germline): Uncertain significance (1 of 4 stars; one submission).

gnomAD v4.1: 1 of 1,614,010 alleles (0.000062%); highest among the groups gnomAD compares: African/African-American, 0.0013%; no homozygotes.

Submission:

GeneDx
Classification: Uncertain significance. Last evaluated: 2024-04-12. Review status: criteria provided, single submitter. Criteria: GeneDx Variant Classification Process June 2021. Collection method: clinical testing. Allele origin: germline. Affected: yes.
Comment: Not observed at significant frequency in large population cohorts (gnomAD); In silico analysis indicates that this missense variant does not alter protein structure/function; Has not been previously published as pathogenic or benign to our knowledge

NM_138927.4(SON):c.820T>A (p.Ser274Thr)

Gene: SON (SON DNA and RNA binding protein; plus strand). Cytogenetic location: 21q22.11.
Variant type: single nucleotide variant.
Coding change: c.820T>A on transcript NM_138927.4 (MANE Select); coding-DNA position 820, T replaced by A.
Protein change: p.Ser274Thr; replaces serine 274 with threonine.
Molecular consequence: missense variant. On other transcripts: non-coding transcript variant (1), intron variant (1).
Genome position (GRCh38, 1-based): chr21:33,550,051, T>A. VCF-style: chr21-33550051-T-A. GRCh37 (hg19) VCF-style: chr21-34922357-T-A.
Other names: c.820T>A, p.Ser274Thr (NM_001291411.2, NM_032195.3); c.244+3672T>A (NM_001291412.3); short protein forms S274T.
Identifiers: ClinVar variation 3372585 (VCV003372585.1).
Genomic context (GRCh38, chr21:33,550,051, plus strand): 5'-ACACTGGTGTTGAAGTCATCTGAGCCAGTTGTAACAATGTCAGTGGAGTATCAGATGAAG[T>A]CTGTGCTGAAATCTGTGGAGAGCACATCTCCAGAGCCATCAAAGATCATGTTGGTAGAGC-3'
Protein context (NP_620305.3, residues 264-284): VTMSVEYQMK[Ser274Thr]VLKSVESTSP